The following is an entry in ClinVar:

ClinVar aggregate classification (germline): Uncertain significance (1 of 4 stars; one submission).

Conditions:
Alstrom syndrome (ALMS). Identifiers: Orphanet 64, MedGen C0268425, MONDO:0008763, OMIM 203800.

Submission:

Labcorp Genetics (formerly Invitae), Labcorp
Classification: Uncertain significance for Alstrom syndrome. Last evaluated: 2022-05-05. Review status: criteria provided, single submitter. Criteria: Invitae Variant Classification Sherloc (09022015). Collection method: clinical testing. Allele origin: germline.
Comment: This sequence change replaces histidine, which is basic and polar, with arginine, which is basic and polar, at codon 1778 of the ALMS1 protein (p.His1778Arg). This variant is not present in population databases (gnomAD no frequency). This variant has not been reported in the literature in individuals affected with ALMS1-related conditions. Experimental studies and prediction algorithms are not available or were not evaluated, and the functional significance of this variant is currently unknown. In summary, the available evidence is currently insufficient to determine the role of this variant in disease. Therefore, it has been classified as a Variant of Uncertain Significance.

NM_001378454.1(ALMS1):c.5330A>G (p.His1777Arg)

Gene: ALMS1 (ALMS1 centrosome and basal body associated protein; plus strand). Cytogenetic location: 2p13.1.
Variant type: single nucleotide variant.
Coding change: c.5330A>G on transcript NM_001378454.1 (MANE Select); coding-DNA position 5330, A replaced by G.
Protein change: p.His1777Arg; replaces histidine 1777 with arginine.
Molecular consequence: missense variant.
Genome position (GRCh38, 1-based): chr2:73,451,857, A>G. VCF-style: chr2-73451857-A-G. GRCh37 (hg19) VCF-style: chr2-73678984-A-G.
Other names: c.5333A>G, p.His1778Arg (NM_015120.4); short protein forms H1777R, H1778R.
Identifiers: ClinVar variation 2420497 (VCV002420497.4), dbSNP rs2466104561, ClinGen allele CA347280995.